The following is an entry in ClinVar:

NM_152513.4(MEI1):c.2535C>T (p.Leu845=)

Gene: MEI1 (meiotic double-stranded break formation protein 1; plus strand). Cytogenetic location: 22q13.2.
Variant type: single nucleotide variant.
Coding change: c.2535C>T on transcript NM_152513.4 (MANE Select); coding-DNA position 2535, C replaced by T.
Protein change: p.Leu845=; no amino-acid change (leucine 845 retained).
Molecular consequence: synonymous variant.
Genome position (GRCh38, 1-based): chr22:41,770,952, C>T. VCF-style: chr22-41770952-C-T. GRCh37 (hg19) VCF-style: chr22-42166956-C-T.
Identifiers: ClinVar variation 3050018 (VCV003050018.2), dbSNP rs142374178, ClinGen allele CA10260545.

ClinVar aggregate classification (germline): Likely benign (0 of 4 stars; one submission).

Conditions:
MEI1-related disorder. Also called: MEI1-related condition.

Allele frequency attached by ClinVar (database versions not stated): ExAC 0.00050; gnomAD 0.00147; TOPMed 0.00159; 1000 Genomes Project 0.00180; ESP Exome Variant Server 0.00202; 1000 Genomes Project 30x 0.00234.
gnomAD v4.1: 434 of 1,612,858 alleles (0.027%); highest among the groups gnomAD compares: African/African-American, 0.53%; 1 homozygote.

Submission:

PreventionGenetics, part of Exact Sciences
Classification: Likely benign for MEI1-related condition. Last evaluated: 2019-07-12. Review status: no assertion criteria provided. Collection method: clinical testing. Allele origin: germline.
Comment: This variant is classified as likely benign based on ACMG/AMP sequence variant interpretation guidelines (Richards et al. 2015 PMID: 25741868, with internal and published modifications).